The following is an entry in ClinVar:

ClinVar aggregate classification (germline): Uncertain significance. Review status: criteria provided, multiple submitters, no conflicts (2 of 4 stars). 2 submissions from 2 submitters: Uncertain significance (2). Last evaluated 2025-03-04.

Conditions:
TMEM67-related disorder. Also called: TMEM67-related condition; TMEM67-related disorders. Identifiers: MedGen CN239423.
Nephronophthisis 11 (NPHP11). Identifiers: Orphanet 84081, MedGen C3150796, MONDO:0013302, OMIM 613550.
RHYNS syndrome. Also called: RETINITIS PIGMENTOSA SYNDROME; RETINITIS PIGMENTOSA, HYPOPITUITARISM, NEPHRONOPHTHISIS, AND MILD SKELETAL DYSPLASIA. Identifiers: Orphanet 140976, MedGen C1865794, MONDO:0011202, OMIM 602152.
COACH syndrome 1. Identifiers: Orphanet 1454, MedGen C5435651, MONDO:0800103, OMIM 216360, MONDO:0008996.
Joubert syndrome 6 (JBTS6). Identifiers: Orphanet 475, MedGen C1853153, MONDO:0012539, OMIM 610688.
Meckel syndrome, type 3 (MKS3). Also called: MECKEL-GRUBER SYNDROME, TYPE 3. Identifiers: Orphanet 564, MedGen C1846357, MONDO:0011821, OMIM 607361.
Bardet-Biedl syndrome 14 (BBS14). Identifiers: Orphanet 110, MedGen C2673874, MONDO:0014442, OMIM 615991.

Submissions (2):

PreventionGenetics, part of Exact Sciences
Classification: Uncertain significance for TMEM67-related condition. Last evaluated: 2025-03-04. Review status: criteria provided, single submitter. Criteria: ACMG Guidelines, 2015. Collection method: clinical testing. Allele origin: germline.
Comment: The TMEM67 c.773A>G variant is predicted to result in the amino acid substitution p.Asn258Ser. To our knowledge, this variant has not been reported in the literature or in a large population database (gnomAD), indicating this variant is rare. At this time, the clinical significance of this variant is uncertain due to the absence of conclusive functional and genetic evidence.

Fulgent Genetics
Classification: Uncertain significance for COACH syndrome 1; RHYNS syndrome; Meckel syndrome, type 3; Joubert syndrome 6; Nephronophthisis 11; Bardet-Biedl syndrome 14. Last evaluated: 2024-02-06. Review status: criteria provided, single submitter. Criteria: ACMG Guidelines, 2015. Collection method: clinical testing. Allele origin: germline.

NM_153704.6(TMEM67):c.773A>G (p.Asn258Ser)

Gene: TMEM67 (transmembrane protein 67; plus strand). Cytogenetic location: 8q22.1.
Variant type: single nucleotide variant.
Coding change: c.773A>G on transcript NM_153704.6 (MANE Select); coding-DNA position 773, A replaced by G.
Protein change: p.Asn258Ser; replaces asparagine 258 with serine.
Molecular consequence: missense variant. On other transcripts: non-coding transcript variant (1).
Genome position (GRCh38, 1-based): chr8:93,780,651, A>G. VCF-style: chr8-93780651-A-G. GRCh37 (hg19) VCF-style: chr8-94792879-A-G.
Other names: c.530A>G, p.Asn177Ser (NM_001142301.1); short protein forms N177S, N258S.
Identifiers: ClinVar variation 3595962 (VCV003595962.2).